The following is an entry in ClinVar:

NM_001382741.1(FBRSL1):c.990A>G (p.Pro330=)

Gene: FBRSL1 (fibrosin like 1; plus strand). Cytogenetic location: 12q24.33.
Variant type: single nucleotide variant.
Coding change: c.990A>G on transcript NM_001382741.1 (MANE Plus Clinical); coding-DNA position 990, A replaced by G.
Protein change: p.Pro330=; no amino-acid change (proline 330 retained).
Molecular consequence: synonymous variant. On other transcripts: non-coding transcript variant (1), intron variant (5).
Genome position (GRCh38, 1-based): chr12:132,509,666, A>G. VCF-style: chr12-132509666-A-G. GRCh37 (hg19) VCF-style: chr12-133086252-A-G.
Other names: c.693A>G, p.Pro231= (NM_001382742.1); c.489+1316A>G (NM_001367871.1, NM_001382739.1, NM_001142641.2 and 2 more transcripts).
Identifiers: ClinVar variation 4681616 (VCV004681616.5).

ClinVar aggregate classification (germline): Likely benign (1 of 4 stars; one submission).

gnomAD v4.1: 15 of 1,228,190 alleles (0.0012%); highest among the groups gnomAD compares: South Asian, 0.0041%; no homozygotes.

Submission:

CeGaT Center for Human Genetics Tuebingen
Classification: Likely benign. Last evaluated: 2025-12-01. Review status: criteria provided, single submitter. Criteria: CeGaT Center For Human Genetics Tuebingen Variant Classification Criteria Version 2. Collection method: clinical testing. Allele origin: germline. Affected: yes. Observed: 1 variant allele.
Comment: FBRSL1: BP4, BP7